The following is an entry in ClinVar:

NM_139058.3(ARX):c.770G>C (p.Arg257Pro)

Gene: ARX (aristaless related homeobox; minus strand). Cytogenetic location: Xp21.3.
Variant type: single nucleotide variant.
Coding change: c.770G>C on transcript NM_139058.3 (MANE Select); coding-DNA position 770, G replaced by C.
Protein change: p.Arg257Pro; replaces arginine 257 with proline.
Molecular consequence: missense variant.
Genome position (GRCh38, 1-based): chrX:25,013,225, C>G on the plus strand (G>C on the coding strand, the complement: ARX is on the minus strand). VCF-style: chrX-25013225-C-G. GRCh37 (hg19) VCF-style: chrX-25031342-C-G.
Other names: short protein forms R257P.
Identifiers: ClinVar variation 1530059 (VCV001530059.9), dbSNP rs1239494313, ClinGen allele CA412612458.

ClinVar aggregate classification (germline): Conflicting classifications of pathogenicity. Review status: criteria provided, conflicting classifications (1 of 4 stars). 2 submissions from 2 submitters: Uncertain significance (1); Likely benign (1). Last evaluated 2025-09-29.

Conditions:
Developmental and epileptic encephalopathy, 1 (DEE1). Also called: Epileptic encephalopathy, early infantile, 1; X-linked infantile spasms; West's syndrome; Tonic spasms with clustering, arrest of psychomotor development and hypsarrhythmia on EEG; X-Linked Infantile Spasm Syndrome; OHTAHARA SYNDROME, X-LINKED. Identifiers: MedGen C3463992, MONDO:0010632, OMIM 308350. Disease mechanism: loss of function.
Intellectual disability, X-linked, with or without seizures, ARX-related. Also called: Mental retardation, X-linked 52; MENTAL RETARDATION, X-LINKED 29; MENTAL RETARDATION, X-LINKED 32; MENTAL RETARDATION, X-LINKED 33; MENTAL RETARDATION, X-LINKED 38; MENTAL RETARDATION, X-LINKED 43. Identifiers: Orphanet 777, MedGen C0796244, MONDO:0010317, OMIM 300419.

Allele frequency attached by ClinVar (database versions not stated): gnomAD exomes 0.00001; TOPMed 0.00001.

Submissions (2):

Labcorp Genetics (formerly Invitae), Labcorp
Classification: Likely benign for Developmental and epileptic encephalopathy, 1; Intellectual disability, X-linked, with or without seizures, ARX-related. Last evaluated: 2025-09-29. Review status: criteria provided, single submitter. Criteria: Invitae Variant Classification Sherloc (09022015). Collection method: clinical testing. Allele origin: germline.

Women's Health and Genetics/Laboratory Corporation of America, LabCorp
Classification: Uncertain significance. Last evaluated: 2025-02-25. Review status: criteria provided, single submitter. Criteria: LabCorp Variant Classification Summary - May 2015. Collection method: clinical testing. Allele origin: germline.
Comment: Variant summary: ARX c.770G>C (p.Arg257Pro) results in a non-conservative amino acid change in the encoded protein sequence. Four of five in-silico tools predict a benign effect of the variant on protein function. The variant allele was found at a frequency of 9.1e-06 in 109943 control chromosomes (i.e. in one hemizygote). The available data on variant occurrences in the general population are insufficient to allow any conclusion about variant significance. To our knowledge, no occurrence of c.770G>C in individuals affected with AXR-Related Disorder and no experimental evidence demonstrating its impact on protein function have been reported. ClinVar contains an entry for this variant (Variation ID: 1530059). Based on the evidence outlined above, the variant was classified as uncertain significance.